The following is an entry in ClinVar:

ClinVar aggregate classification (germline): Uncertain significance (1 of 4 stars; one submission).

Conditions:
Neuronopathy, distal hereditary motor, type 7A. Also called: Neuronopathy, distal hereditary motor, type viia; HARPER-YOUNG MYOPATHY; HMN VIIA; SPINAL MUSCULAR ATROPHY, DISTAL, WITH VOCAL CORD PARALYSIS; NEURONOPATHY, DISTAL HEREDITARY MOTOR, HARDING TYPE VIIA; NEUROPATHY, DISTAL HEREDITARY MOTOR, HARDING TYPE VIIA. Identifiers: Orphanet 139589, MedGen C1834703, MONDO:0008024, OMIM 158580.
Congenital myasthenic syndrome 20. Also called: Myasthenic syndrome, congenital, 20, presynaptic. Identifiers: MedGen C4310694, MONDO:0014939, OMIM 617143.

Allele frequency attached by ClinVar (database versions not stated): TOPMed below 0.00001; gnomAD 0.00001; ExAC 0.00002.
gnomAD v4.1: 20 of 1,613,866 alleles (0.0012%); highest among the groups gnomAD compares: Non-Finnish European, 0.0012%; no homozygotes.

Submission:

Labcorp Genetics (formerly Invitae), Labcorp
Classification: Uncertain significance for Neuronopathy, distal hereditary motor, type 7A; Congenital myasthenic syndrome 20. Last evaluated: 2026-01-14. Review status: criteria provided, single submitter. Criteria: Invitae Variant Classification Sherloc (09022015). Collection method: clinical testing. Allele origin: germline.
Comment: This sequence change replaces valine, which is neutral and non-polar, with alanine, which is neutral and non-polar, at codon 517 of the SLC5A7 protein (p.Val517Ala). This variant is present in population databases (rs760760816, gnomAD 0.009%). This variant has not been reported in the literature in individuals affected with SLC5A7-related conditions. ClinVar contains an entry for this variant (Variation ID: 2046745). Invitae Evidence Modeling of protein sequence and biophysical properties (such as structural, functional, and spatial information, amino acid conservation, physicochemical variation, residue mobility, and thermodynamic stability) indicates that this missense variant is not expected to disrupt SLC5A7 protein function with a negative predictive value of 80%. In summary, the available evidence is currently insufficient to determine the role of this variant in disease. Therefore, it has been classified as a Variant of Uncertain Significance.

NM_021815.5(SLC5A7):c.1550T>C (p.Val517Ala)

Gene: SLC5A7 (solute carrier family 5 member 7; plus strand). Cytogenetic location: 2q12.3.
Variant type: single nucleotide variant.
Coding change: c.1550T>C on transcript NM_021815.5 (MANE Select); coding-DNA position 1550, T replaced by C.
Protein change: p.Val517Ala; replaces valine 517 with alanine.
Molecular consequence: missense variant.
Genome position (GRCh38, 1-based): chr2:108,010,668, T>C. VCF-style: chr2-108010668-T-C. GRCh37 (hg19) VCF-style: chr2-108627124-T-C.
Other names: c.1550T>C, p.Val517Ala (NM_001305005.3); c.1235T>C, p.Val412Ala (NM_001305006.3); c.809T>C, p.Val270Ala (NM_001305007.3); short protein forms V270A, V517A, V412A.
Identifiers: ClinVar variation 2046745 (VCV002046745.4), dbSNP rs760760816, ClinGen allele CA1819195.